The following is an entry in ClinVar:

ClinVar aggregate classification (germline): Likely benign (1 of 4 stars; one submission).

Submission:

CeGaT Center for Human Genetics Tuebingen
Classification: Likely benign. Last evaluated: 2026-05-01. Review status: criteria provided, single submitter. Criteria: CeGaT Center For Human Genetics Tuebingen Variant Classification Criteria Version 2. Collection method: clinical testing. Allele origin: germline. Affected: yes. Observed: 1 variant allele.
Comment: RHOBTB2: PM2:Supporting, BP4, BP7

NM_015178.3(RHOBTB2):c.102C>G (p.Arg34=)

Gene: RHOBTB2 (Rho related BTB domain containing 2; plus strand). Cytogenetic location: 8p21.3.
Variant type: single nucleotide variant.
Coding change: c.102C>G on transcript NM_015178.3 (MANE Select); coding-DNA position 102, C replaced by G.
Protein change: p.Arg34=; no amino-acid change (arginine 34 retained).
Molecular consequence: synonymous variant.
Genome position (GRCh38, 1-based): chr8:23,004,536, C>G. VCF-style: chr8-23004536-C-G. GRCh37 (hg19) VCF-style: chr8-22862049-C-G.
Other names: c.168C>G, p.Arg56= (NM_001160036.2); c.123C>G, p.Arg41= (NM_001160037.2); c.102C>G, p.Arg34= (NM_001374791.1).
Identifiers: ClinVar variation 4872344 (VCV004872344.2).